The following is an entry in ClinVar:

ClinVar aggregate classification (germline): Uncertain significance. Review status: criteria provided, multiple submitters, no conflicts (2 of 4 stars). 2 submissions from 2 submitters: Uncertain significance (2). Last evaluated 2020-10-12.

Submissions (2):

GeneDx
Classification: Uncertain significance. Last evaluated: 2020-10-12. Review status: criteria provided, single submitter. Criteria: GeneDx Variant Classification Process June 2021. Collection method: clinical testing. Allele origin: germline. Affected: yes.
Comment: Has not been previously published as pathogenic or benign to our knowledge; Not observed in large population cohorts (Lek et al., 2016); In silico analysis supports that this missense variant has a deleterious effect on protein structure/function; Reported in ClinVar as a variant of uncertain significance (ClinVar Variant ID# 811420; Landrum et al., 2016)

ARUP Laboratories, Molecular Genetics and Genomics, ARUP Laboratories
Classification: Uncertain significance. Last evaluated: 2019-05-26. Review status: criteria provided, single submitter. Criteria: ARUP Molecular Germline Variant Investigation Process. Collection method: clinical testing. Allele origin: germline.
Comment: The JUP c.1993T>C; p.Ser665Pro variant, to our knowledge, is not reported in the medical literature or gene-specific databases. This variant is also absent from general population databases (Exome Variant Server, Genome Aggregation Database), indicating it is not a common polymorphism. The serine at codon 665 is moderately conserved and computational analyses (SIFT, PolyPhen-2) predict that this variant is deleterious. However, given the lack of clinical and functional data, the significance of the p.Ser665Pro variant is uncertain at this time.

NM_002230.4(JUP):c.1993T>C (p.Ser665Pro)

Gene: JUP (junction plakoglobin; minus strand). Cytogenetic location: 17q21.2.
Variant type: single nucleotide variant.
Coding change: c.1993T>C on transcript NM_002230.4 (MANE Select); coding-DNA position 1993, T replaced by C.
Protein change: p.Ser665Pro; replaces serine 665 with proline.
Molecular consequence: missense variant.
Genome position (GRCh38, 1-based): chr17:41,757,468, A>G on the plus strand (T>C on the coding strand, the complement: JUP is on the minus strand). VCF-style: chr17-41757468-A-G. GRCh37 (hg19) VCF-style: chr17-39913720-A-G.
Other names: c.1993T>C, p.Ser665Pro (NM_001352773.2, NM_001352774.2, NM_001352775.2 and 3 more transcripts); short protein forms S665P.
Identifiers: ClinVar variation 811420 (VCV000811420.9), dbSNP rs1597780746, ClinGen allele CA399491848.